The following is an entry in ClinVar:

NM_017802.4(DNAAF5):c.208C>T (p.Gln70Ter)

Genes: PRKAR1B (protein kinase cAMP-dependent type I regulatory subunit beta; minus strand), DNAAF5 (dynein axonemal assembly factor 5; plus strand), LOC129997730 (ATAC-STARR-seq lymphoblastoid silent region 17816; plus strand). Cytogenetic location: 7p22.3.
Variant type: single nucleotide variant.
Coding change: c.208C>T on transcript NM_017802.4 (MANE Select); coding-DNA position 208, C replaced by T.
Protein change: p.Gln70Ter; replaces glutamine 70 with a stop codon.
Molecular consequence: nonsense. On other transcripts: non-coding transcript variant (1), intron variant (3).
Genome position (GRCh38, 1-based): chr7:726,928, C>T. VCF-style: chr7-726928-C-T. GRCh37 (hg19) VCF-style: chr7-766565-C-T.
Other names: c.-23+727G>A (NM_001164759.1); c.-23+662G>A (NM_001164758.2); c.-23+282G>A (NM_001164760.2); short protein forms Q70*.
Identifiers: ClinVar variation 843828 (VCV000843828.8), dbSNP rs746849639, ClinGen allele CA4110354.

ClinVar aggregate classification (germline): Pathogenic (1 of 4 stars; one submission).

Conditions:
Primary ciliary dyskinesia. Also called: Ciliary dyskinesia. Identifiers: Orphanet 244, MedGen C0008780, MONDO:0016575, HP:0012265.

Allele frequency attached by ClinVar (database versions not stated): gnomAD exomes below 0.00001; TOPMed below 0.00001; ExAC 0.00054.
gnomAD v4.1: 1 of 1,348,714 alleles (0.000074%); highest among the groups gnomAD compares: South Asian, 0.0016%; no homozygotes.

Submission:

Labcorp Genetics (formerly Invitae), Labcorp
Classification: Pathogenic for Primary ciliary dyskinesia. Last evaluated: 2019-11-11. Review status: criteria provided, single submitter. Criteria: Invitae Variant Classification Sherloc (09022015). Collection method: clinical testing. Allele origin: germline.
Comment: For these reasons, this variant has been classified as Pathogenic. Loss-of-function variants in DNAAF5 are known to be pathogenic (PMID: 24307375, 25232951). This variant has not been reported in the literature in individuals with DNAAF5-related conditions. While this variant is present in population databases (rs746849639), the frequency information is unreliable, as metrics indicate poor data quality at this position in the ExAC database. This sequence change creates a premature translational stop signal (p.Gln70*) in the DNAAF5 gene. It is expected to result in an absent or disrupted protein product.

Literature cited by the submitters: PubMed 24307375; PubMed 25232951.